The following is an entry in ClinVar:

ClinVar aggregate classification (germline): Uncertain significance. Review status: criteria provided, multiple submitters, no conflicts (2 of 4 stars). 2 submissions from 2 submitters: Uncertain significance (2). Last evaluated 2025-10-01.

Allele frequency attached by ClinVar (database versions not stated): ExAC 0.00023; gnomAD 0.00029; TOPMed 0.00028; gnomAD exomes 0.00044; ESP Exome Variant Server 0.00031.
gnomAD v4.1: 666 of 1,610,292 alleles (0.041%); highest among the groups gnomAD compares: Non-Finnish European, 0.055%; no homozygotes.

Submissions (2):

Labcorp Genetics (formerly Invitae), Labcorp
Classification: Uncertain significance. Last evaluated: 2025-10-01. Review status: criteria provided, single submitter. Criteria: Invitae Variant Classification Sherloc (09022015). Collection method: clinical testing. Allele origin: germline.
Comment: This sequence change replaces methionine, which is neutral and non-polar, with threonine, which is neutral and polar, at codon 45 of the ZNF143 protein (p.Met45Thr). This variant is present in population databases (rs142601750, gnomAD 0.05%). This variant has not been reported in the literature in individuals affected with ZNF143-related conditions. ClinVar contains an entry for this variant (Variation ID: 2379726). An algorithm developed to predict the effect of missense changes on protein structure and function (PolyPhen-2) suggests that this variant is likely to be tolerated. In summary, the available evidence is currently insufficient to determine the role of this variant in disease. Therefore, it has been classified as a Variant of Uncertain Significance.

Ambry Genetics
Classification: Uncertain significance. Last evaluated: 2021-09-15. Review status: criteria provided, single submitter. Criteria: Ambry Variant Classification Scheme 2023. Collection method: clinical testing. Allele origin: germline.

NM_003442.6(ZNF143):c.134T>C (p.Met45Thr)

Gene: ZNF143 (zinc finger protein 143; plus strand). Cytogenetic location: 11p15.4.
Variant type: single nucleotide variant.
Coding change: c.134T>C on transcript NM_003442.6 (MANE Select); coding-DNA position 134, T replaced by C.
Protein change: p.Met45Thr; replaces methionine 45 with threonine.
Molecular consequence: missense variant. On other transcripts: intron variant (1).
Genome position (GRCh38, 1-based): chr11:9,472,698, T>C. VCF-style: chr11-9472698-T-C. GRCh37 (hg19) VCF-style: chr11-9494245-T-C.
Other names: c.134T>C, p.Met45Thr (NM_001282656.2); c.113-1243T>C (NM_001282657.2); short protein forms M45T.
Identifiers: ClinVar variation 2379726 (VCV002379726.5), dbSNP rs142601750, ClinGen allele CA5879230.
Genomic context (GRCh38, chr11:9,472,698, plus strand): 5'-GCTAGCTGTCTAAAGAAAATATTGATTTTTTTGTAATAGATGGTGACAACTTAGAAAATA[T>C]GGAAGGCGTAAGCTTGCAAGCAGTAACACTTGCAGATGGTTCTACTGCTTACATACAACA-3'
Protein context (NP_003433.3, residues 35-55): TVADGDNLEN[Met45Thr]EGVSLQAVTL